The following is an entry in ClinVar:

ClinVar aggregate classification (germline): Uncertain significance. Review status: criteria provided, single submitter (1 of 4 stars). 2 submissions from 2 submitters: Uncertain significance (1). 1 of the submissions does not count toward it. Last evaluated 2022-04-04.

Conditions:
AGL-related disorder. Also called: AGL-related condition.
Glycogen storage disease type III (GSD3). Also called: FORBES DISEASE; Cori disease. Identifiers: Orphanet 366, MedGen C0017922, MONDO:0009291, OMIM 232400.

Allele frequency attached by ClinVar (database versions not stated): gnomAD exomes 0.00001; ExAC 0.00002; gnomAD 0.00003; TOPMed 0.00007; ESP Exome Variant Server 0.00008.

Submissions (2):

Labcorp Genetics (formerly Invitae), Labcorp
Classification: Uncertain significance for Glycogen storage disease type III. Last evaluated: 2022-04-04. Review status: criteria provided, single submitter. Criteria: Invitae Variant Classification Sherloc (09022015). Collection method: clinical testing. Allele origin: germline.
Comment: This sequence change falls in intron 7 of the AGL gene. It does not directly change the encoded amino acid sequence of the AGL protein. It affects a nucleotide within the consensus splice site. This variant is present in population databases (rs374766709, gnomAD 0.007%). This variant has not been reported in the literature in individuals affected with AGL-related conditions. Variants that disrupt the consensus splice site are a relatively common cause of aberrant splicing (PMID: 17576681, 9536098). Algorithms developed to predict the effect of sequence changes on RNA splicing suggest that this variant may create or strengthen a splice site. In summary, the available evidence is currently insufficient to determine the role of this variant in disease. Therefore, it has been classified as a Variant of Uncertain Significance.

PreventionGenetics, part of Exact Sciences
Classification: Likely benign for AGL-related condition. Last evaluated: 2022-06-23. Review status: no assertion criteria provided. Collection method: clinical testing. Allele origin: germline. Not counted in ClinVar's aggregate classification.
Comment: This variant is classified as likely benign based on ACMG/AMP sequence variant interpretation guidelines (Richards et al. 2015 PMID: 25741868, with internal and published modifications).

Literature cited by the submitters: PubMed 17576681 (cited by Labcorp Genetics (formerly Invitae), Labcorp); PubMed 9536098 (cited by Labcorp Genetics (formerly Invitae), Labcorp).

NM_000642.3(AGL):c.959-3T>A

Gene: AGL (amylo-alpha-1,6-glucosidase and 4-alpha-glucanotransferase; plus strand). Cytogenetic location: 1p21.2.
Variant type: single nucleotide variant.
Coding change: c.959-3T>A on transcript NM_000642.3 (MANE Select); 3 bases into the intron before coding-DNA position 959, T replaced by A.
Molecular consequence: intron variant.
Genome position (GRCh38, 1-based): chr1:99,874,684, T>A. VCF-style: chr1-99874684-T-A. GRCh37 (hg19) VCF-style: chr1-100340240-T-A.
Other names: c.959-3T>A (NM_000643.3, NM_000644.3, NM_001425326.1 and 3 more transcripts); c.911-3T>A (NM_000646.3); c.755-3T>A (NM_001425328.1, NM_001425329.1); c.581-3T>A (NM_001425332.1).
Identifiers: ClinVar variation 1432703 (VCV001432703.5), dbSNP rs374766709, ClinGen allele CA966341.